The following is an entry in ClinVar:

NC_000011.10:g.(?_9780408)_(10042991_?)del

Genes: SBF2 (SET binding factor 2; minus strand), SBF2-AS1 (SBF2 antisense RNA 1; plus strand), LOC101928008 (uncharacterized LOC101928008; plus strand), LOC105369149 (uncharacterized LOC105369149; plus strand), LOC126861136 (MED14-independent group 3 enhancer GRCh37_chr11:10004023-10005222; plus strand) and 1 more. Cytogenetic location: 11p15.4.
Variant type: Deletion.
Identifiers: ClinVar variation 647949 (VCV000647949.9).

ClinVar aggregate classification (germline): Likely pathogenic (1 of 4 stars; one submission).

Conditions:
Charcot-Marie-Tooth disease type 4. Also called: Charcot-Marie-Tooth disease, type IV; Charcot-Marie-Tooth, Type 4. Identifiers: Orphanet 64749, MedGen C4082197, MONDO:0018995.

Submission:

Labcorp Genetics (formerly Invitae), Labcorp
Classification: Likely pathogenic for Charcot-Marie-Tooth disease type 4. Last evaluated: 2018-09-04. Review status: criteria provided, single submitter. Criteria: Invitae Variant Classification Sherloc (09022015). Collection method: clinical testing. Allele origin: germline.
Comment: In summary, the currently available evidence indicates that the variant is pathogenic, but additional data are needed to prove that conclusively. Therefore, this variant has been classified as Likely Pathogenic. This variant disrupts the main conserved domains of the SBF2 protein (PMID:¬†15304601). While functional studies have not been performed to directly test the effect of this variant on SBF2 protein function, this suggests that disruption of this region of the protein is causative of disease. This variant has not been reported in the literature in individuals with SBF2-related disease. This variant is a gross deletion of the genomic region encompassing exons 3 -40 of the SBF2 gene. The 5' boundary is likely confined to intron 2. The 3' end of this event is unknown as it extends through the termination codon beyond the assayed region for this gene and may encompass additional genes. While this deletion is not anticipated to result in nonsense mediated decay, it is expected to create a truncated protein product or disrupt mRNA translation.